The following is an entry in ClinVar:

NM_001291303.3(FAT4):c.14906C>A (p.Thr4969Lys)

Gene: FAT4 (FAT atypical cadherin 4; plus strand). Cytogenetic location: 4q28.1.
Variant type: single nucleotide variant.
Coding change: c.14906C>A on transcript NM_001291303.3 (MANE Select); coding-DNA position 14906, C replaced by A.
Protein change: p.Thr4969Lys; replaces threonine 4969 with lysine.
Molecular consequence: missense variant.
Genome position (GRCh38, 1-based): chr4:125,491,722, C>A. VCF-style: chr4-125491722-C-A. GRCh37 (hg19) VCF-style: chr4-126412877-C-A.
Other names: c.14903C>A, p.Thr4968Lys (NM_001291285.3); c.14900C>A, p.Thr4967Lys (NM_024582.6); short protein forms T4969K, T4967K, T4968K.
Identifiers: ClinVar variation 1992707 (VCV001992707.4), dbSNP rs763678476, ClinGen allele CA3074641.

ClinVar aggregate classification (germline): Uncertain significance (1 of 4 stars; one submission).

Allele frequency attached by ClinVar (database versions not stated): ExAC 0.00001; gnomAD 0.00001; gnomAD exomes 0.00001; TOPMed 0.00001.
gnomAD v4.1: 12 of 1,613,698 alleles (0.00074%); highest among the groups gnomAD compares: South Asian, 0.0066%; no homozygotes.

Submission:

Labcorp Genetics (formerly Invitae), Labcorp
Classification: Uncertain significance. Last evaluated: 2022-06-15. Review status: criteria provided, single submitter. Criteria: Invitae Variant Classification Sherloc (09022015). Collection method: clinical testing. Allele origin: germline.
Comment: In summary, the available evidence is currently insufficient to determine the role of this variant in disease. Therefore, it has been classified as a Variant of Uncertain Significance. Advanced modeling of protein sequence and biophysical properties (such as structural, functional, and spatial information, amino acid conservation, physicochemical variation, residue mobility, and thermodynamic stability) performed at Invitae indicates that this missense variant is not expected to disrupt FAT4 protein function. This variant has not been reported in the literature in individuals affected with FAT4-related conditions. This variant is present in population databases (rs763678476, gnomAD 0.01%). This sequence change replaces threonine, which is neutral and polar, with lysine, which is basic and polar, at codon 4967 of the FAT4 protein (p.Thr4967Lys).